The following is an entry in ClinVar:

NM_001297595.2(SIN3B):c.731C>G (p.Thr244Arg)

Gene: SIN3B (SIN3 transcription regulator family member B; plus strand). Cytogenetic location: 19p13.11.
Variant type: single nucleotide variant.
Coding change: c.731C>G on transcript NM_001297595.2 (MANE Select); coding-DNA position 731, C replaced by G.
Protein change: p.Thr244Arg; replaces threonine 244 with arginine.
Molecular consequence: missense variant.
Genome position (GRCh38, 1-based): chr19:16,851,416, C>G. VCF-style: chr19-16851416-C-G. GRCh37 (hg19) VCF-style: chr19-16962227-C-G.
Other names: c.731C>G, p.Thr244Arg (NM_015260.4); short protein forms T244R.
Identifiers: ClinVar variation 2637120 (VCV002637120.1), dbSNP rs1202925745, ClinGen allele CA404637745.

ClinVar aggregate classification (germline): Uncertain significance (1 of 4 stars; one submission).

Conditions:
SIN3B-related disorder. Also called: SIN3B-related condition.

Allele frequency attached by ClinVar (database versions not stated): TOPMed below 0.00001; gnomAD 0.00001.
gnomAD v4.1: 5 of 1,599,492 alleles (0.00031%); highest among the groups gnomAD compares: Non-Finnish European, 0.00043%; no homozygotes.

Submission:

PreventionGenetics, part of Exact Sciences
Classification: Uncertain significance for SIN3B-related condition. Last evaluated: 2022-10-03. Review status: criteria provided, single submitter. Criteria: ACMG Guidelines, 2015. Collection method: clinical testing. Allele origin: germline.
Comment: The SIN3B c.731C>G variant is predicted to result in the amino acid substitution p.Thr244Arg. To our knowledge, this variant has not been reported in the literature. This variant is reported in 0.00092% of alleles in individuals of European (Non-Finnish) descent in gnomAD. At this time, the clinical significance of this variant is uncertain due to the absence of conclusive functional and genetic evidence.